The following is an entry in ClinVar:

ClinVar aggregate classification (germline): Uncertain significance (1 of 4 stars; one submission).

Conditions:
Hereditary sensory and autonomic neuropathy type 6. Also called: HSAN VI; Neuropathy, hereditary sensory and autonomic, type VI. Identifiers: Orphanet 314381, MedGen C3539003, MONDO:0013839, OMIM 614653.
Epidermolysis bullosa simplex 3, localized or generalized intermediate, with BP230 deficiency (EBS3). Also called: Epidermolysis bullosa simplex due to BP230 deficiency; Epidermolysis bullosa simplex, autosomal recessive 2. Identifiers: Orphanet 412181, MedGen C3809470, MONDO:0014180, OMIM 615425.

Submission:

Labcorp Genetics (formerly Invitae), Labcorp
Classification: Uncertain significance for Epidermolysis bullosa simplex 3, localized or generalized intermediate, with BP230 deficiency; Hereditary sensory and autonomic neuropathy type 6. Last evaluated: 2021-02-07. Review status: criteria provided, single submitter. Criteria: Invitae Variant Classification Sherloc (09022015). Collection method: clinical testing. Allele origin: germline.
Comment: In summary, the available evidence is currently insufficient to determine the role of this variant in disease. Therefore, it has been classified as a Variant of Uncertain Significance. Experimental studies and prediction algorithms are not available or were not evaluated, and the functional significance of this variant is currently unknown. This variant has not been reported in the literature in individuals with DST-related conditions. This variant is not present in population databases (ExAC no frequency). This sequence change replaces glycine with arginine at codon 3153 of the DST protein (p.Gly3153Arg). The DST gene has multiple clinically relevant transcripts. This variant occurs in alternate transcript NM_015548.4, and corresponds to NM_001723.5:c.*85800G>C in the primary transcript.

NM_001374736.1(DST):c.17326G>C (p.Gly5776Arg)

Gene: DST (dystonin; minus strand). Cytogenetic location: 6p12.1.
Variant type: single nucleotide variant.
Coding change: c.17326G>C on transcript NM_001374736.1 (MANE Select); coding-DNA position 17326, G replaced by C.
Protein change: p.Gly5776Arg; replaces glycine 5776 with arginine.
Molecular consequence: missense variant. On other transcripts: intron variant (2).
Genome position (GRCh38, 1-based): chr6:56,529,717, C>G on the plus strand (G>C on the coding strand, the complement: DST is on the minus strand). VCF-style: chr6-56529717-C-G. GRCh37 (hg19) VCF-style: chr6-56394515-C-G.
Other names: c.10969G>C, p.Gly3657Arg (NM_001144769.5); c.10555G>C, p.Gly3519Arg (NM_001144770.2); c.17326G>C, p.Gly5776Arg (NM_001374722.1); c.17353G>C, p.Gly5785Arg (NM_001374734.1); c.10435G>C, p.Gly3479Arg (NM_001386100.1, NM_183380.4); c.9457G>C, p.Gly3153Arg (NM_015548.5); c.10377+257G>C (NM_001374730.1); c.16635+257G>C (NM_001374729.1); short protein forms G3153R, G3519R, G3657R, G3479R, G5776R, G5785R.
Identifiers: ClinVar variation 1522168 (VCV001522168.6), dbSNP rs2152511690, ClinGen allele CA364508829.